The following is an entry in ClinVar:

NM_000051.3:c.7374_7375insAlu

Gene: ATM (ATM serine/threonine kinase; plus strand).
Variant type: Insertion.
Identifiers: ClinVar variation 1758578 (VCV001758578.4).

ClinVar aggregate classification (germline): Likely pathogenic (1 of 4 stars; one submission).

Conditions:
Hereditary cancer-predisposing syndrome. Also called: Neoplastic Syndromes, Hereditary; Tumor predisposition; Hereditary Cancer Syndrome; Hereditary neoplastic syndrome. Identifiers: Orphanet 140162, MedGen C0027672, MeSH D009386, MONDO:0015356.

Submission:

Ambry Genetics
Classification: Likely pathogenic for Hereditary cancer-predisposing syndrome. Last evaluated: 2025-01-09. Review status: criteria provided, single submitter. Criteria: Ambry Variant Classification Scheme 2023. Collection method: clinical testing. Allele origin: germline.
Comment: The c.7374_7375insAlu likely pathogenic variant results from the insertion of an Alu element between nucleotides 7374 and 7375 in coding exon 49 of the ATM gene. Mobile element insertions contribute to pathogenicity by either disrupting the coding sequence or inducing aberrant splicing (Belancio VP et al. Semin. Cancer Biol. 2010 Aug;20:200-10; Deininger P et al. Genome Biol. 2011 Dec;12:236; van der Klift HM Hum Mutat. 2012 Jul;33(7):1051-5). This Alu element insertion has been reported in multiple individuals referred for hereditary cancer testing (Qian Y et al. Cancer Genet 2017 Oct;216-217:159-169; Mu W et al. Genet. Med., 2019 07;21:1603-1610). Based on the majority of available evidence to date, this variant is likely to be pathogenic.

Literature cited by the submitters: PubMed 29025590; PubMed 30563988.